The following is an entry in ClinVar:

NM_001375978.1(CHRM3):c.1303G>A (p.Val435Met)

Gene: CHRM3 (cholinergic receptor muscarinic 3; plus strand). Cytogenetic location: 1q43.
Variant type: single nucleotide variant.
Coding change: c.1303G>A on transcript NM_001375978.1 (MANE Select); coding-DNA position 1303, G replaced by A.
Protein change: p.Val435Met; replaces valine 435 with methionine.
Molecular consequence: missense variant.
Genome position (GRCh38, 1-based): chr1:239,908,754, G>A. VCF-style: chr1-239908754-G-A. GRCh37 (hg19) VCF-style: chr1-240072054-G-A.
Other names: c.1303G>A, p.Val435Met (NM_000740.4, NM_001347716.2, NM_001375979.1 and 6 more transcripts); c.1303G>A (NM_000740.2, NM_000740.3); short protein forms V435M.
Identifiers: ClinVar variation 2183253 (VCV002183253.4), dbSNP rs145865028, ClinGen allele CA1475916.

ClinVar aggregate classification (germline): Uncertain significance. Review status: criteria provided, multiple submitters, no conflicts (2 of 4 stars). 3 submissions from 3 submitters: Uncertain significance (3). Last evaluated 2024-06-07.

Conditions:
Prune belly syndrome. Also called: Prune belly. Identifiers: Orphanet 2970, MedGen C0033770, MONDO:0007032, OMIM 100100, HP:0004392.

Allele frequency attached by ClinVar (database versions not stated): TOPMed 0.00012; ESP Exome Variant Server 0.00015; gnomAD 0.00015; ExAC 0.00016; gnomAD exomes 0.00017.
gnomAD v4.1: 264 of 1,613,850 alleles (0.016%); highest among the groups gnomAD compares: Middle Eastern, 0.12%; no homozygotes.

Submissions (3):

Fulgent Genetics
Classification: Uncertain significance for Prune belly syndrome. Last evaluated: 2024-06-07. Review status: criteria provided, single submitter. Criteria: ACMG Guidelines, 2015. Collection method: clinical testing. Allele origin: germline.

Labcorp Genetics (formerly Invitae), Labcorp
Classification: Uncertain significance. Last evaluated: 2023-10-13. Review status: criteria provided, single submitter. Criteria: Invitae Variant Classification Sherloc (09022015). Collection method: clinical testing. Allele origin: germline.
Comment: This sequence change replaces valine, which is neutral and non-polar, with methionine, which is neutral and non-polar, at codon 435 of the CHRM3 protein (p.Val435Met). This variant is present in population databases (rs145865028, gnomAD 0.03%). This variant has not been reported in the literature in individuals affected with CHRM3-related conditions. ClinVar contains an entry for this variant (Variation ID: 2183253). Algorithms developed to predict the effect of missense changes on protein structure and function output the following: SIFT: "Not Available"; PolyPhen-2: "Benign"; Align-GVGD: "Not Available". The methionine amino acid residue is found in multiple mammalian species, which suggests that this missense change does not adversely affect protein function. In summary, the available evidence is currently insufficient to determine the role of this variant in disease. Therefore, it has been classified as a Variant of Uncertain Significance.

Ambry Genetics
Classification: Uncertain significance. Last evaluated: 2021-08-12. Review status: criteria provided, single submitter. Criteria: Ambry Variant Classification Scheme 2023. Collection method: clinical testing. Allele origin: germline.